The following is an entry in ClinVar:

NM_001297.5(CNGB1):c.2501G>T (p.Arg834Leu)

Gene: CNGB1 (cyclic nucleotide gated channel subunit beta 1; minus strand). Cytogenetic location: 16q21.
Variant type: single nucleotide variant.
Coding change: c.2501G>T on transcript NM_001297.5 (MANE Select); coding-DNA position 2501, G replaced by T.
Protein change: p.Arg834Leu; replaces arginine 834 with leucine.
Molecular consequence: missense variant.
Genome position (GRCh38, 1-based): chr16:57,904,867, C>A on the plus strand (G>T on the coding strand, the complement: CNGB1 is on the minus strand). VCF-style: chr16-57904867-C-A. GRCh37 (hg19) VCF-style: chr16-57938771-C-A.
Other names: c.2483G>T, p.Arg828Leu (NM_001286130.2); short protein forms R834L, R828L.
Identifiers: ClinVar variation 320076 (VCV000320076.14), dbSNP rs761295014, ClinGen allele CA8082951.

ClinVar aggregate classification (germline): Uncertain significance. Review status: criteria provided, multiple submitters, no conflicts (2 of 4 stars). 4 submissions from 4 submitters: Uncertain significance (4). Last evaluated 2024-01-02.

Conditions:
Retinitis pigmentosa 45 (RP45). Identifiers: Orphanet 791, MedGen C3151066, MONDO:0013413, OMIM 613767.
Retinitis pigmentosa (RP). Identifiers: Orphanet 791, MedGen C0035334, MeSH D012174, MONDO:0019200, OMIM 268000. Inheritance: Autosomal dominant, autosomal recessive and X linked inheritance.

Allele frequency attached by ClinVar (database versions not stated): gnomAD 0.00003; TOPMed 0.00003.
gnomAD v4.1: 19 of 1,613,998 alleles (0.0012%); highest among the groups gnomAD compares: African/African-American, 0.0013%; no homozygotes.

Submissions (4):

Labcorp Genetics (formerly Invitae), Labcorp
Classification: Uncertain significance. Last evaluated: 2024-01-02. Review status: criteria provided, single submitter. Criteria: Invitae Variant Classification Sherloc (09022015). Collection method: clinical testing. Allele origin: germline.
Comment: This sequence change replaces arginine, which is basic and polar, with leucine, which is neutral and non-polar, at codon 834 of the CNGB1 protein (p.Arg834Leu). This variant is present in population databases (rs761295014, gnomAD 0.01%). This missense change has been observed in individual(s) with rod-cone dystrophy (PMID: 33847019). ClinVar contains an entry for this variant (Variation ID: 320076). Advanced modeling of protein sequence and biophysical properties (such as structural, functional, and spatial information, amino acid conservation, physicochemical variation, residue mobility, and thermodynamic stability) performed at Invitae indicates that this missense variant is expected to disrupt CNGB1 protein function with a positive predictive value of 80%. In summary, the available evidence is currently insufficient to determine the role of this variant in disease. Therefore, it has been classified as a Variant of Uncertain Significance.

Fulgent Genetics
Classification: Uncertain significance for Retinitis pigmentosa 45. Last evaluated: 2022-05-11. Review status: criteria provided, single submitter. Criteria: ACMG Guidelines, 2015. Collection method: clinical testing. Allele origin: unknown.

Blueprint Genetics
Classification: Uncertain significance. Last evaluated: 2021-03-10. Review status: criteria provided, single submitter. Criteria: ACMG Guidelines, 2015. Collection method: clinical testing. Allele origin: germline.

Illumina Laboratory Services, Illumina
Classification: Uncertain significance for Retinitis pigmentosa. Last evaluated: 2018-01-13. Review status: criteria provided, single submitter. Criteria: ICSL Variant Classification Criteria 13 December 2019. Collection method: clinical testing. Allele origin: germline.

Literature cited by the submitters: PubMed 33847019 (cited by Labcorp Genetics (formerly Invitae), Labcorp).